The following is an entry in ClinVar:

ClinVar aggregate classification (germline): Uncertain significance. Review status: criteria provided, multiple submitters, no conflicts (2 of 4 stars). 3 submissions from 3 submitters: Uncertain significance (3). Last evaluated 2025-12-02.

Allele frequency attached by ClinVar (database versions not stated): gnomAD 0.00050 and 0.00051; gnomAD exomes 0.00054; ESP Exome Variant Server 0.00042; TOPMed 0.00044; ExAC 0.00056.
gnomAD v4.1: 678 of 1,613,360 alleles (0.042%); highest among the groups gnomAD compares: Non-Finnish European, 0.047%; 2 homozygotes.

Submissions (3):

Labcorp Genetics (formerly Invitae), Labcorp
Classification: Uncertain significance. Last evaluated: 2025-12-02. Review status: criteria provided, single submitter. Criteria: Invitae Variant Classification Sherloc (09022015). Collection method: clinical testing. Allele origin: germline.
Comment: This sequence change replaces arginine, which is basic and polar, with histidine, which is basic and polar, at codon 644 of the LRRCC1 protein (p.Arg644His). This variant is present in population databases (rs200366418, gnomAD 0.2%), and has an allele count higher than expected for a pathogenic variant. This variant has not been reported in the literature in individuals affected with LRRCC1-related conditions. ClinVar contains an entry for this variant (Variation ID: 1518914). An algorithm developed to predict the effect of missense changes on protein structure and function (PolyPhen-2) suggests that this variant is likely to be disruptive. In summary, the available evidence is currently insufficient to determine the role of this variant in disease. Therefore, it has been classified as a Variant of Uncertain Significance.

Ambry Genetics
Classification: Uncertain significance. Last evaluated: 2021-10-18. Review status: criteria provided, single submitter. Criteria: Ambry Variant Classification Scheme 2023. Collection method: clinical testing. Allele origin: germline.

Breakthrough Genomics
Classification: Uncertain significance. Review status: criteria provided, single submitter. Criteria: ACMG Guidelines, 2015. Collection method: not provided. Allele origin: germline. Inheritance: Autosomal recessive inheritance. Affected: yes.

NM_033402.5(LRRCC1):c.1931G>A (p.Arg644His)

Gene: LRRCC1 (leucine rich repeat and coiled-coil centrosomal protein 1; plus strand). Cytogenetic location: 8q21.2.
Variant type: single nucleotide variant.
Coding change: c.1931G>A on transcript NM_033402.5 (MANE Select); coding-DNA position 1931, G replaced by A.
Protein change: p.Arg644His; replaces arginine 644 with histidine.
Molecular consequence: missense variant.
Genome position (GRCh38, 1-based): chr8:85,131,924, G>A. VCF-style: chr8-85131924-G-A. GRCh37 (hg19) VCF-style: chr8-86044159-G-A.
Other names: c.1652G>A, p.Arg551His (NM_001349636.2); c.1505G>A, p.Arg502His (NM_001349637.2); c.1034G>A, p.Arg345His (NM_001349638.2); c.794G>A, p.Arg265His (NM_001349639.2); c.1931G>A (NM_033402.4); short protein forms R345H, R551H, R644H, R502H, R265H.
Identifiers: ClinVar variation 1518914 (VCV001518914.8), dbSNP rs200366418, ClinGen allele CA4794786.
Genomic context (GRCh38, chr8:85,131,924, plus strand): 5'-AATACCAAGAGAAAATTGACGTGTTAAGCCAGCAGTATATGGATTTAGAAAATGAATTCC[G>A]TATTGCTTTAACTGTTGAAGCCAGAAGATTTCAAGATGTAAGAATTGGCACCCAGCTTTT-3'
Protein context (NP_208325.3, residues 634-654): QQYMDLENEF[Arg644His]IALTVEARRF